The following is an entry in ClinVar:

NM_052947.4(ALPK2):c.4853T>A (p.Val1618Asp)

Genes: ALPK2 (alpha kinase 2; minus strand), LOC130062578 (ATAC-STARR-seq lymphoblastoid active region 13390; plus strand). Cytogenetic location: 18q21.31.
Variant type: single nucleotide variant.
Coding change: c.4853T>A on transcript NM_052947.4 (MANE Select); coding-DNA position 4853, T replaced by A.
Protein change: p.Val1618Asp; replaces valine 1618 with aspartic acid.
Molecular consequence: missense variant.
Genome position (GRCh38, 1-based): chr18:58,535,334, A>T on the plus strand (T>A on the coding strand, the complement: ALPK2 is on the minus strand). VCF-style: chr18-58535334-A-T. GRCh37 (hg19) VCF-style: chr18-56202566-A-T.
Other names: short protein forms V1618D.
Identifiers: ClinVar variation 1743588 (VCV001743588.3), dbSNP rs1031347354, ClinGen allele CA300926258.
Genomic context (GRCh38, chr18:58,535,334, plus strand): 5'-CCAATTTGAAGCACCTCTATTTTAGGTTCCTCCATTTTGTGGCTTATCAAAAAGTCTGTG[A>T]CATTTCCTTCAGGAGATGAAGTACAAGGGAACCTGGTAAGATCAGGAGAAGAGGGCAAAG-3'
Protein context (NP_443179.3, residues 1608-1628): FPCTSSPEGN[Val1618Asp]TDFLISHKME

ClinVar aggregate classification (germline): Uncertain significance (1 of 4 stars; one submission).

Allele frequency attached by ClinVar (database versions not stated): gnomAD 0.00001.
gnomAD v4.1: 1 of 1,614,078 alleles (0.000062%); highest among the groups gnomAD compares: Admixed American, 0.0017%; no homozygotes.

Submission:

Ambry Genetics
Classification: Uncertain significance. Last evaluated: 2024-06-23. Review status: criteria provided, single submitter. Criteria: Ambry Variant Classification Scheme 2023. Collection method: clinical testing. Allele origin: germline.
Comment: The p.V1618D variant (also known as c.4853T>A), located in coding exon 4 of the ALPK2 gene, results from a T to A substitution at nucleotide position 4853. The valine at codon 1618 is replaced by aspartic acid, an amino acid with highly dissimilar properties. This amino acid position is conserved. In addition, this alteration is predicted to be tolerated by in silico analysis. Since supporting evidence is limited at this time, the clinical significance of this alteration remains unclear.